The following is an entry in ClinVar:

NM_002968.3(SALL1):c.2863G>A (p.Glu955Lys)

Gene: SALL1 (spalt like transcription factor 1; minus strand). Cytogenetic location: 16q12.1.
Variant type: single nucleotide variant.
Coding change: c.2863G>A on transcript NM_002968.3 (MANE Select); coding-DNA position 2863, G replaced by A.
Protein change: p.Glu955Lys; replaces glutamic acid 955 with lysine.
Molecular consequence: missense variant.
Genome position (GRCh38, 1-based): chr16:51,139,359, C>T on the plus strand (G>A on the coding strand, the complement: SALL1 is on the minus strand). VCF-style: chr16-51139359-C-T. GRCh37 (hg19) VCF-style: chr16-51173270-C-T.
Other names: c.2572G>A, p.Glu858Lys (NM_001127892.2); short protein forms E955K, E858K.
Identifiers: ClinVar variation 2143886 (VCV002143886.5), dbSNP rs143517407, ClinGen allele CA8053024.

ClinVar aggregate classification (germline): Uncertain significance. Review status: criteria provided, multiple submitters, no conflicts (2 of 4 stars). 2 submissions from 2 submitters: Uncertain significance (2). Last evaluated 2025-04-11.

Conditions:
Inborn genetic diseases. Identifiers: MedGen C0950123, MeSH D030342.
Townes syndrome (TBS). Also called: Townes-Brocks syndrome. Identifiers: Orphanet 857, MedGen C0265246, MeSH C536974, MONDO:0007142.

Allele frequency attached by ClinVar (database versions not stated): gnomAD exomes 0.00001; ExAC 0.00003; gnomAD 0.00003; TOPMed 0.00004; ESP Exome Variant Server 0.00008.

Submissions (2):

Ambry Genetics
Classification: Uncertain significance for Inborn genetic diseases. Last evaluated: 2025-04-11. Review status: criteria provided, single submitter. Criteria: Ambry Variant Classification Scheme 2023. Collection method: clinical testing. Allele origin: germline.

Labcorp Genetics (formerly Invitae), Labcorp
Classification: Uncertain significance for Townes syndrome. Last evaluated: 2024-10-06. Review status: criteria provided, single submitter. Criteria: Invitae Variant Classification Sherloc (09022015). Collection method: clinical testing. Allele origin: germline.
Comment: This sequence change replaces glutamic acid, which is acidic and polar, with lysine, which is basic and polar, at codon 955 of the SALL1 protein (p.Glu955Lys). This variant is present in population databases (rs143517407, gnomAD 0.01%). This variant has not been reported in the literature in individuals affected with SALL1-related conditions. ClinVar contains an entry for this variant (Variation ID: 2143886). Invitae Evidence Modeling of protein sequence and biophysical properties (such as structural, functional, and spatial information, amino acid conservation, physicochemical variation, residue mobility, and thermodynamic stability) indicates that this missense variant is expected to disrupt SALL1 protein function with a positive predictive value of 80%. In summary, the available evidence is currently insufficient to determine the role of this variant in disease. Therefore, it has been classified as a Variant of Uncertain Significance.